The following is an entry in ClinVar:

NM_000784.4(CYP27A1):c.1114G>T (p.Gly372Trp)

Gene: CYP27A1 (cytochrome P450 family 27 subfamily A member 1; plus strand). Cytogenetic location: 2q35.
Variant type: single nucleotide variant.
Coding change: c.1114G>T on transcript NM_000784.4 (MANE Select); coding-DNA position 1114, G replaced by T.
Protein change: p.Gly372Trp; replaces glycine 372 with tryptophan.
Molecular consequence: missense variant.
Genome position (GRCh38, 1-based): chr2:218,814,117, G>T. VCF-style: chr2-218814117-G-T. GRCh37 (hg19) VCF-style: chr2-219678840-G-T.
Other names: short protein forms G372W.
Identifiers: ClinVar variation 1468628 (VCV001468628.6), dbSNP rs369969903, ClinGen allele CA350592071.

ClinVar aggregate classification (germline): Uncertain significance (1 of 4 stars; one submission).

Conditions:
Cholestanol storage disease (CTX). Also called: Cerebrotendinous Xanthomatosis; CEREBRAL CHOLESTERINOSIS; CTX: Cerebrotendinous xanthomatosis. Identifiers: Orphanet 909, MedGen C0238052, MONDO:0008948, OMIM 213700.

Submission:

Labcorp Genetics (formerly Invitae), Labcorp
Classification: Uncertain significance for Cholestanol storage disease. Last evaluated: 2024-10-24. Review status: criteria provided, single submitter. Criteria: Invitae Variant Classification Sherloc (09022015). Collection method: clinical testing. Allele origin: germline.
Comment: This sequence change replaces glycine, which is neutral and non-polar, with tryptophan, which is neutral and slightly polar, at codon 372 of the CYP27A1 protein (p.Gly372Trp). This variant is not present in population databases (gnomAD no frequency). This variant has not been reported in the literature in individuals affected with CYP27A1-related conditions. ClinVar contains an entry for this variant (Variation ID: 1468628). Invitae Evidence Modeling of protein sequence and biophysical properties (such as structural, functional, and spatial information, amino acid conservation, physicochemical variation, residue mobility, and thermodynamic stability) indicates that this missense variant is expected to disrupt CYP27A1 protein function with a positive predictive value of 95%. In summary, the available evidence is currently insufficient to determine the role of this variant in disease. Therefore, it has been classified as a Variant of Uncertain Significance.